The following is an entry in ClinVar:

NM_001042631.3(SDHAF1):c.333C>G (p.Arg111=)

Genes: SDHAF1 (succinate dehydrogenase complex assembly factor 1; plus strand), LOC130064281 (ATAC-STARR-seq lymphoblastoid silent region 10546; plus strand). Cytogenetic location: 19q13.12.
Variant type: single nucleotide variant.
Coding change: c.333C>G on transcript NM_001042631.3 (MANE Select); coding-DNA position 333, C replaced by G.
Protein change: p.Arg111=; no amino-acid change (arginine 111 retained).
Molecular consequence: synonymous variant.
Genome position (GRCh38, 1-based): chr19:35,995,607, C>G. VCF-style: chr19-35995607-C-G. GRCh37 (hg19) VCF-style: chr19-36486509-C-G.
Other names: p.R111R:CGC>CGG.
Identifiers: ClinVar variation 139089 (VCV000139089.20), dbSNP rs76336581, ClinGen allele CA302686.

ClinVar aggregate classification (germline): Benign/Likely benign. Review status: criteria provided, multiple submitters, no conflicts (2 of 4 stars). 6 submissions from 6 submitters: Benign (3); Likely benign (2). 1 of the submissions does not count toward it. Last evaluated 2026-02-03.

Conditions:
Mitochondrial complex II deficiency, nuclear type 1. Also called: SUCCINATE CoQ REDUCTASE DEFICIENCY. Identifiers: Orphanet 3208, MedGen C5700310, MONDO:0100294, OMIM 252011.

Allele frequency attached by ClinVar (database versions not stated): ESP Exome Variant Server 0.03407; 1000 Genomes Project 0.04673; gnomAD exomes 0.04699; 1000 Genomes Project 30x 0.04794; TOPMed 0.05105; gnomAD 0.05347 and 0.05399; ExAC 0.06562.
gnomAD v4.1: 81,543 of 1,548,572 alleles (5.3%); highest among the groups gnomAD compares: South Asian, 5.7%; 2,347 homozygotes.

Submissions (6):

Labcorp Genetics (formerly Invitae), Labcorp
Classification: Benign. Last evaluated: 2026-02-03. Review status: criteria provided, single submitter. Criteria: Invitae Variant Classification Sherloc (09022015). Collection method: clinical testing. Allele origin: germline.

Illumina Laboratory Services, Illumina
Classification: Likely benign for Mitochondrial complex II deficiency, nuclear type 1. Last evaluated: 2018-01-12. Review status: criteria provided, single submitter. Criteria: ICSL Variant Classification Criteria 13 December 2019. Collection method: clinical testing. Allele origin: germline.
Comment: This variant was observed in the ICSL laboratory as part of a predisposition screen in an ostensibly healthy population. It had not been previously curated by ICSL or reported in the Human Gene Mutation Database (HGMD: prior to June 1st, 2018), and was therefore a candidate for classification through an automated scoring system. Utilizing variant allele frequency, disease prevalence and penetrance estimates, and inheritance mode, an automated score was calculated to assess if this variant is too frequent to cause the disease. Based on the score and internal cut-off values, a variant classified as likely benign is not then subjected to further curation. The score for this variant resulted in a classification of likely benign for this disease.

Eurofins Ntd Llc (ga)
Classification: Benign. Last evaluated: 2015-02-12. Review status: criteria provided, single submitter. Criteria: EGL Classification Definitions 2015. Collection method: clinical testing. Allele origin: germline. Observed: 2 variant alleles, 2 heterozygotes.

GeneDx
Classification: Benign. Last evaluated: 2012-05-23. Review status: criteria provided, single submitter. Criteria: GeneDx Variant Classification (06012015). Collection method: clinical testing. Allele origin: germline. Affected: yes.
Comment: This variant is considered likely benign or benign based on one or more of the following criteria: it is a conservative change, it occurs at a poorly conserved position in the protein, it is predicted to be benign by multiple in silico algorithms, and/or has population frequency not consistent with disease.

Breakthrough Genomics
Classification: Likely benign. Review status: criteria provided, single submitter. Criteria: ACMG Guidelines, 2015. Collection method: not provided. Allele origin: germline. Inheritance: Autosomal recessive inheritance. Affected: yes.

Mayo Clinic Laboratories, Mayo Clinic
Classification: Benign. Last evaluated: 2016-02-22. Review status: no assertion criteria provided. Collection method: clinical testing. Allele origin: unknown. Not counted in ClinVar's aggregate classification.